The following is an entry in ClinVar:

ClinVar aggregate classification (germline): Conflicting classifications of pathogenicity. Review status: criteria provided, conflicting classifications (1 of 4 stars). 3 submissions from 3 submitters: Uncertain significance (2); Benign (1). Last evaluated 2025-11-24.

Conditions:
Hereditary cancer-predisposing syndrome. Also called: Neoplastic Syndromes, Hereditary; Tumor predisposition; Hereditary Cancer Syndrome; Hereditary neoplastic syndrome. Identifiers: Orphanet 140162, MedGen C0027672, MeSH D009386, MONDO:0015356.

Submissions (3):

Labcorp Genetics (formerly Invitae), Labcorp
Classification: Benign for Hereditary cancer-predisposing syndrome. Last evaluated: 2025-11-24. Review status: criteria provided, single submitter. Criteria: Invitae Variant Classification Sherloc (09022015). Collection method: clinical testing. Allele origin: germline.

Quest Diagnostics Nichols Institute San Juan Capistrano
Classification: Uncertain significance. Last evaluated: 2025-03-10. Review status: criteria provided, single submitter. Criteria: Quest Diagnostics criteria. Collection method: clinical testing. Allele origin: unknown.
Comment: The RAD50 c.218C>T (p.Ala73Val) variant has not been reported in individuals with RAD50-related conditions in the published literature. It also has not been reported in large, multi-ethnic general populations (Genome Aggregation Database). Analysis of this variant using bioinformatics tools for the prediction of the effect of amino acid changes on protein structure and function yielded conflicting predictions that this variant is benign or damaging. Based on the available information, we are unable to determine the clinical significance of this variant.

Ambry Genetics
Classification: Uncertain significance for Hereditary cancer-predisposing syndrome. Last evaluated: 2024-02-11. Review status: criteria provided, single submitter. Criteria: Ambry Variant Classification Scheme 2023. Collection method: clinical testing. Allele origin: germline.
Comment: The p.A73V variant (also known as c.218C>T), located in coding exon 3 of the RAD50 gene, results from a C to T substitution at nucleotide position 218. The alanine at codon 73 is replaced by valine, an amino acid with similar properties. This amino acid position is highly conserved in available vertebrate species. In addition, the in silico prediction for this alteration is inconclusive. Since supporting evidence is limited at this time, the clinical significance of this alteration remains unclear.

NM_005732.4(RAD50):c.218C>T (p.Ala73Val)

Gene: RAD50 (RAD50 double strand break repair protein; plus strand). Cytogenetic location: 5q31.1.
Variant type: single nucleotide variant.
Coding change: c.218C>T on transcript NM_005732.4 (MANE Select); coding-DNA position 218, C replaced by T.
Protein change: p.Ala73Val; replaces alanine 73 with valine.
Molecular consequence: missense variant.
Genome position (GRCh38, 1-based): chr5:132,575,781, C>T. VCF-style: chr5-132575781-C-T. GRCh37 (hg19) VCF-style: chr5-131911473-C-T.
Other names: short protein forms A73V.
Identifiers: ClinVar variation 457403 (VCV000457403.13), dbSNP rs1554097567, ClinGen allele CA360930090.